The following is an entry in ClinVar:

ClinVar aggregate classification (germline): Likely pathogenic (1 of 4 stars; one submission).

Conditions:
Developmental delay with variable intellectual impairment and behavioral abnormalities. Identifiers: MedGen C5193092, MONDO:0032745, OMIM 618430.

Submission:

Institute of Human Genetics, University of Leipzig Medical Center
Classification: Likely pathogenic for Developmental delay with variable intellectual impairment and behavioral abnormalities. Last evaluated: 2024-03-15. Review status: criteria provided, single submitter. Criteria: ACMG Guidelines, 2015. Collection method: clinical testing. Allele origin: unknown. Inheritance: Autosomal dominant inheritance. Affected: yes.
Comment: Criteria applied: PVS1,PM2_SUP

NM_001378418.1(TCF20):c.2779C>T (p.Gln927Ter)

Gene: TCF20 (transcription factor 20; minus strand). Cytogenetic location: 22q13.2.
Variant type: single nucleotide variant.
Coding change: c.2779C>T on transcript NM_001378418.1 (MANE Select); coding-DNA position 2779, C replaced by T.
Protein change: p.Gln927Ter; replaces glutamine 927 with a stop codon.
Molecular consequence: nonsense.
Genome position (GRCh38, 1-based): chr22:42,212,527, G>A on the plus strand (C>T on the coding strand, the complement: TCF20 is on the minus strand). VCF-style: chr22-42212527-G-A. GRCh37 (hg19) VCF-style: chr22-42608533-G-A.
Other names: c.2779C>T, p.Gln927Ter (NM_005650.4, NM_181492.3); short protein forms Q927*.
Identifiers: ClinVar variation 3068464 (VCV003068464.2), dbSNP rs2518222824, ClinGen allele CA411787920.